The following is an entry in ClinVar:

NM_001042432.2(CLN3):c.677+1G>T

Gene: CLN3 (CLN3 lysosomal/endosomal transmembrane protein, battenin; minus strand). Cytogenetic location: 16p12.1.
Variant type: single nucleotide variant.
Coding change: c.677+1G>T on transcript NM_001042432.2 (MANE Select); the canonical splice donor site of the intron after coding-DNA position 677, G replaced by T.
Molecular consequence: splice donor variant.
Genome position (GRCh38, 1-based): chr16:28,486,346, C>A on the plus strand (G>T on the coding strand, the complement: CLN3 is on the minus strand). VCF-style: chr16-28486346-C-A. GRCh37 (hg19) VCF-style: chr16-28497667-C-A.
Other names: c.443+1G>T (NM_001286109.2); c.605+1G>T (NM_001286104.2); c.377+1G>T (NM_001286105.2); c.515+1G>T (NM_001286110.2); c.677+1G>T (NM_000086.2).
Identifiers: ClinVar variation 371459 (VCV000371459.5), dbSNP rs1057517287, ClinGen allele CA16041789.

ClinVar aggregate classification (germline): Likely pathogenic. Review status: criteria provided, multiple submitters, no conflicts (2 of 4 stars). 3 submissions from 3 submitters: Likely pathogenic (2). 1 of the submissions does not count toward it. Last evaluated 2026-01-23.

Conditions:
Neuronal ceroid lipofuscinosis 3 (CLN3). Identifiers: Orphanet 228346, MedGen C0751383, MONDO:0008767, OMIM 204200.

gnomAD v4.1: 1 of 1,612,048 alleles (0.000062%); no homozygotes.

Submissions (3):

Myriad Genetics, Inc.
Classification: Likely pathogenic for Neuronal ceroid lipofuscinosis 3. Last evaluated: 2026-01-23. Review status: criteria provided, single submitter. Criteria: Myriad Autosomal Dominant, Autosomal Recessive and X-Linked Classification Criteria (2023). Collection method: clinical testing. Allele origin: unknown.
Comment: NM_001042432.1(CLN3):c.677+1G>T is a variant in a canonical splice site classified as likely pathogenic in the context of CLN3-related disorders. c.677+1G>T has been observed in a case with relevant disease (PMID: 36460718). Relevant functional assessments of this variant are not available in the literature. c.677+1G>T has not been observed in referenced population frequency databases. In summary, NM_001042432.1(CLN3):c.677+1G>T is a variant in a canonical splice site that has been observed more frequently in cases with the relevant disease than in healthy populations. Please note: this variant was assessed in the context of healthy population screening.

Baylor Genetics
Classification: Likely pathogenic for Neuronal ceroid lipofuscinosis 3. Last evaluated: 2023-04-21. Review status: criteria provided, single submitter. Criteria: ACMG Guidelines, 2015. Collection method: clinical testing. Allele origin: unknown.

Counsyl
Classification: Likely pathogenic for Neuronal ceroid lipofuscinosis 3. Last evaluated: 2016-10-19. Review status: no assertion criteria provided. Collection method: clinical testing. Allele origin: unknown. Not counted in ClinVar's aggregate classification.

Literature cited by the submitters: PubMed 36460718 (cited by Myriad Genetics, Inc.).